The following is an entry in ClinVar:

ClinVar aggregate classification (germline): Uncertain significance (1 of 4 stars; one submission).

Submission:

Labcorp Genetics (formerly Invitae), Labcorp
Classification: Uncertain significance. Last evaluated: 2022-08-29. Review status: criteria provided, single submitter. Criteria: Invitae Variant Classification Sherloc (09022015). Collection method: clinical testing. Allele origin: germline.
Comment: In summary, the available evidence is currently insufficient to determine the role of this variant in disease. Therefore, it has been classified as a Variant of Uncertain Significance. This variant has not been reported in the literature in individuals affected with DDX58-related conditions. This variant results in the deletion of part of exon 4 (c.454_572-260del) of the DDX58 gene. It is expected to disrupt RNA splicing. Variants that disrupt the donor or acceptor splice site typically lead to a loss of protein function (PMID: 16199547), however the current clinical and genetic evidence is not sufficient to establish whether loss-of-function variants in DDX58 cause disease.

Literature cited by the submitters: PubMed 16199547.

NC_000009.11:g.(?_32491678)_(32492506_?)del

Gene: RIGI (RNA sensor RIG-I; minus strand). Cytogenetic location: 9p21.1.
Variant type: Deletion.
Identifiers: ClinVar variation 2425939 (VCV002425939.3).